The following is an entry in ClinVar:

ClinVar aggregate classification (germline): Pathogenic (1 of 4 stars; one submission).

Conditions:
Marfan syndrome (MFS). Also called: MARFAN SYNDROME, TYPE I; Marfan syndrome type 1; Marfan's syndrome; Marfan syndrome, classic; FBN1-Related Marfan Syndrome. Identifiers: Orphanet 284963, Orphanet 558, MedGen C0024796, MONDO:0007947, OMIM 154700.
Familial thoracic aortic aneurysm and aortic dissection (TAAD). Also called: Thoracic aortic aneurysms and dissections. Identifiers: Orphanet 91387, MedGen C4707243, MONDO:0019625.

Submission:

Labcorp Genetics (formerly Invitae), Labcorp
Classification: Pathogenic for Marfan syndrome; Familial thoracic aortic aneurysm and aortic dissection. Last evaluated: 2023-05-23. Review status: criteria provided, single submitter. Criteria: Invitae Variant Classification Sherloc (09022015). Collection method: clinical testing. Allele origin: germline.
Comment: For these reasons, this variant has been classified as Pathogenic. This sequence change creates a premature translational stop signal (p.Gly1301Alafs*112) in the FBN1 gene. It is expected to result in an absent or disrupted protein product. Loss-of-function variants in FBN1 are known to be pathogenic (PMID: 17657824, 19293843). This variant is not present in population databases (gnomAD no frequency). This variant has not been reported in the literature in individuals affected with FBN1-related conditions. ClinVar contains an entry for this variant (Variation ID: 1452652).

Literature cited by the submitters: PubMed 17657824; PubMed 19293843.

NM_000138.5(FBN1):c.3902del (p.Gly1301fs)

Gene: FBN1 (fibrillin 1; minus strand). Cytogenetic location: 15q21.1.
Variant type: Deletion.
Coding change: c.3902del on transcript NM_000138.5 (MANE Select); coding-DNA position 3902, one base deleted (G; older notation c.3902delG).
Protein change: p.Gly1301fs; shifts the reading frame from glycine 1301.
Molecular consequence: frameshift variant.
Genome position (GRCh38, 1-based): chr15:48,481,717, C deleted on the plus strand (G on the coding strand, the reverse complement: FBN1 is on the minus strand); the first of 2 consecutive C bases (chr15:48,481,717-48,481,718); deleting either gives the same sequence. VCF-style (leftmost placement, unchanged base first): chr15-48481716-GC-G. GRCh37 (hg19) VCF-style: chr15-48773913-GC-G.
Other names: short protein forms G1301fs.
Identifiers: ClinVar variation 1452652 (VCV001452652.6), dbSNP rs2141287396, ClinGen allele CA2573150778.